The following is an entry in ClinVar:

NM_004484.4(GPC3):c.1735G>A (p.Val579Met)

Gene: GPC3 (glypican 3; minus strand). Cytogenetic location: Xq26.2.
Variant type: single nucleotide variant.
Coding change: c.1735G>A on transcript NM_004484.4 (MANE Select); coding-DNA position 1735, G replaced by A.
Protein change: p.Val579Met; replaces valine 579 with methionine.
Molecular consequence: missense variant.
Genome position (GRCh38, 1-based): chrX:133,536,132, C>T on the plus strand (G>A on the coding strand, the complement: GPC3 is on the minus strand). VCF-style: chrX-133536132-C-T. GRCh37 (hg19) VCF-style: chrX-132670160-C-T.
Other names: c.1804G>A, p.Val602Met (NM_001164617.2); c.1687G>A, p.Val563Met (NM_001164618.2); c.1573G>A, p.Val525Met (NM_001164619.2); short protein forms V525M, V579M, V563M, V602M.
Identifiers: ClinVar variation 3017013 (VCV003017013.3), dbSNP rs2520461825, ClinGen allele CA414702346.

ClinVar aggregate classification (germline): Uncertain significance (1 of 4 stars; one submission).

Conditions:
Wilms tumor 1 (WT1). Also called: Wilms tumor, somatic. Identifiers: Orphanet 654, MedGen CN033288, MONDO:0008679, OMIM 194070.

Submission:

Labcorp Genetics (formerly Invitae), Labcorp
Classification: Uncertain significance for Wilms tumor 1. Last evaluated: 2023-09-27. Review status: criteria provided, single submitter. Criteria: Invitae Variant Classification Sherloc (09022015). Collection method: clinical testing. Allele origin: germline.
Comment: In summary, the available evidence is currently insufficient to determine the role of this variant in disease. Therefore, it has been classified as a Variant of Uncertain Significance. An algorithm developed to predict the effect of missense changes on protein structure and function (PolyPhen-2) suggests that this variant is likely to be disruptive. This variant has not been reported in the literature in individuals affected with GPC3-related conditions. This variant is not present in population databases (gnomAD no frequency). This sequence change replaces valine, which is neutral and non-polar, with methionine, which is neutral and non-polar, at codon 579 of the GPC3 protein (p.Val579Met).